The following is an entry in ClinVar:

NM_152558.5(IQCE):c.1635G>A (p.Ala545=)

Gene: IQCE (IQ motif containing E; plus strand). Cytogenetic location: 7p22.3.
Variant type: single nucleotide variant.
Coding change: c.1635G>A on transcript NM_152558.5 (MANE Select); coding-DNA position 1635, G replaced by A.
Protein change: p.Ala545=; no amino-acid change (alanine 545 retained).
Molecular consequence: synonymous variant.
Genome position (GRCh38, 1-based): chr7:2,604,883, G>A. VCF-style: chr7-2604883-G-A. GRCh37 (hg19) VCF-style: chr7-2644517-G-A.
Other names: NC_000007.13:g.2644517G>A; c.1635G>A, p.Ala545= (NM_001287499.2); c.1587G>A, p.Ala529= (NM_001287500.2, NM_001410865.1); c.1440G>A, p.Ala480= (NM_001287501.2, NM_001287502.2).
Identifiers: ClinVar variation 3035295 (VCV003035295.3), dbSNP rs371441568, ClinGen allele CA4129397.

ClinVar aggregate classification (germline): Likely benign (0 of 4 stars; one submission).

Conditions:
IQCE-related disorder. Also called: IQCE-related condition.

Allele frequency attached by ClinVar (database versions not stated): gnomAD 0.00007; ExAC 0.00010; TOPMed 0.00015; ESP Exome Variant Server 0.00016; gnomAD exomes 0.00020.
gnomAD v4.1: 292 of 1,612,560 alleles (0.018%); highest among the groups gnomAD compares: Non-Finnish European, 0.023%; no homozygotes.

Submissions (5):

PreventionGenetics, part of Exact Sciences
Classification: Likely benign for IQCE-related condition. Last evaluated: 2019-07-30. Review status: no assertion criteria provided. Collection method: clinical testing. Allele origin: germline.
Comment: This variant is classified as likely benign based on ACMG/AMP sequence variant interpretation guidelines (Richards et al. 2015 PMID: 25741868, with internal and published modifications).

Dr. Peter K. Rogan Lab, Western University
No classification provided (evidence only). Condition: Thyroid cancer, nonmedullary, 1. Review status: no classification provided. Collection method: in vitro. Allele origin: not applicable. Functional consequence: retained intron. Not counted in ClinVar's aggregate classification.

Dr. Peter K. Rogan Lab, Western University
No classification provided (evidence only). Condition: Thyroid cancer, nonmedullary, 1. Review status: no classification provided. Collection method: in vitro. Allele origin: not applicable. Functional consequence: skipped exon, retained intron. Not counted in ClinVar's aggregate classification.

Dr. Peter K. Rogan Lab, Western University
No classification provided (evidence only). Condition: Thyroid cancer, nonmedullary, 1. Review status: no classification provided. Collection method: in vitro. Allele origin: not applicable. Functional consequence: skipped exon. Not counted in ClinVar's aggregate classification.

Dr. Peter K. Rogan Lab, Western University
No classification provided (evidence only). Condition: Uterine corpus endometrial carcinoma. Review status: no classification provided. Collection method: in vitro. Allele origin: not applicable. Functional consequence: retained intron. Not counted in ClinVar's aggregate classification.